The following is an entry in ClinVar:

NM_001875.5(CPS1):c.3460G>T (p.Glu1154Ter)

Gene: CPS1 (carbamoyl-phosphate synthase 1; plus strand). Cytogenetic location: 2q34.
Variant type: single nucleotide variant.
Coding change: c.3460G>T on transcript NM_001875.5 (MANE Select); coding-DNA position 3460, G replaced by T.
Protein change: p.Glu1154Ter; replaces glutamic acid 1154 with a stop codon.
Molecular consequence: nonsense. On other transcripts: non-coding transcript variant (2).
Genome position (GRCh38, 1-based): chr2:210,650,418, G>T. VCF-style: chr2-210650418-G-T. GRCh37 (hg19) VCF-style: chr2-211515142-G-T.
Other names: c.3460G>T, p.Glu1154Ter (NM_001122633.3, NM_001369257.1); c.3493G>T, p.Glu1165Ter (NM_001369256.1); short protein forms E1154*, E1165*.
Identifiers: ClinVar variation 5013152 (VCV005013152.1).

ClinVar aggregate classification (germline): Pathogenic (1 of 4 stars; one submission).

Conditions:
Congenital hyperammonemia, type I. Also called: CPS I DEFICIENCY; Carbamoyl phosphate synthetase 1 deficiency; Hyperammonemia due to carbamoyl phosphate synthetase 1 deficiency; CPS 1 deficiency; Carbamyl phosphate synthetase (CPS) deficiency; Carbamoyl phosphate synthetase I deficiency disease. Identifiers: Orphanet 147, MedGen C4082171, MONDO:0009376, OMIM 237300.

Submission:

Myriad Genetics, Inc.
Classification: Pathogenic for Congenital hyperammonemia, type I. Last evaluated: 2024-06-05. Review status: criteria provided, single submitter. Criteria: Myriad Autosomal Dominant, Autosomal Recessive and X-Linked Classification Criteria (2023). Collection method: clinical testing. Allele origin: unknown.
Comment: NM_001875.4(CPS1):c.3460G>T(E1154*) is expected to be pathogenic in the context of carbamoylphosphate synthetase I deficiency. This variant is predicted to lead to an abnormal or absent protein product due to the creation of a premature termination codon in CPS1, a gene where loss-of-function variants are known to be pathogenic. Please note: this variant was assessed in the context of healthy population screening.